The following is an entry in ClinVar:

NM_003107.3(SOX4):c.741_748dup (p.Leu250fs)

Gene: SOX4 (SRY-box transcription factor 4; plus strand). Cytogenetic location: 6p22.3.
Variant type: Duplication.
Coding change: c.741_748dup on transcript NM_003107.3 (MANE Select); coding-DNA positions 741 to 748, 8 bases duplicated (GCTGCCCC; older notation c.741_748dupGCTGCCCC).
Protein change: p.Leu250fs; shifts the reading frame from leucine 250.
Molecular consequence: frameshift variant.
Genome position (GRCh38, 1-based): chr6:21,595,275-21,595,282, GCTGCCCC duplicated. VCF-style (leftmost placement, unchanged base first): chr6-21595274-T-TGCTGCCCC. GRCh37 (hg19) VCF-style: chr6-21595505-T-TGCTGCCCC.
Other names: short protein forms L250fs.
Identifiers: ClinVar variation 2506634 (VCV002506634.1), dbSNP rs2532640492, ClinGen allele CA2580614842.

ClinVar aggregate classification (germline): Uncertain significance (1 of 4 stars; one submission).

Submission:

GeneDx
Classification: Uncertain significance. Last evaluated: 2022-12-20. Review status: criteria provided, single submitter. Criteria: GeneDx Variant Classification Process June 2021. Collection method: clinical testing. Allele origin: germline. Affected: yes.
Comment: Frameshift variant predicted to result in protein truncation as the last 225 amino acids are replaced with 46 different amino acids, although loss-of-function variants have not been reported downstream of this position in the protein; Not observed at significant frequency in large population cohorts (gnomAD); Has not been previously published as pathogenic or benign to our knowledge